The following is an entry in ClinVar:

NM_020821.3(VPS13C):c.5020C>A (p.Leu1674Met)

Gene: VPS13C (vacuolar protein sorting 13 homolog C; minus strand). Cytogenetic location: 15q22.2.
Variant type: single nucleotide variant.
Coding change: c.5020C>A on transcript NM_020821.3 (MANE Select); coding-DNA position 5020, C replaced by A.
Protein change: p.Leu1674Met; replaces leucine 1674 with methionine.
Molecular consequence: missense variant.
Genome position (GRCh38, 1-based): chr15:61,945,843, G>T on the plus strand (C>A on the coding strand, the complement: VPS13C is on the minus strand). VCF-style: chr15-61945843-G-T. GRCh37 (hg19) VCF-style: chr15-62238042-G-T.
Other names: c.5020C>A, p.Leu1674Met (NM_001018088.3); c.4891C>A, p.Leu1631Met (NM_017684.5, NM_018080.4); short protein forms L1631M, L1674M.
Identifiers: ClinVar variation 1445508 (VCV001445508.6), dbSNP rs762431865, ClinGen allele CA7595920.

ClinVar aggregate classification (germline): Conflicting classifications of pathogenicity. Review status: criteria provided, conflicting classifications (1 of 4 stars). 2 submissions from 2 submitters: Uncertain significance (1); Likely benign (1). Last evaluated 2024-10-14.

Allele frequency attached by ClinVar (database versions not stated): gnomAD 0.00001; ExAC 0.00002; gnomAD exomes 0.00002.
gnomAD v4.1: 16 of 1,611,966 alleles (0.00099%); highest among the groups gnomAD compares: Non-Finnish European, 0.0013%; no homozygotes.

Submissions (2):

Blueprint Genetics
Classification: Likely benign. Last evaluated: 2024-10-14. Review status: criteria provided, single submitter. Criteria: ACMG Guidelines, 2015. Collection method: clinical testing. Allele origin: germline.

Labcorp Genetics (formerly Invitae), Labcorp
Classification: Uncertain significance. Last evaluated: 2021-09-24. Review status: criteria provided, single submitter. Criteria: Invitae Variant Classification Sherloc (09022015). Collection method: clinical testing. Allele origin: germline.
Comment: This sequence change replaces leucine with methionine at codon 1674 of the VPS13C protein (p.Leu1674Met). The leucine residue is weakly conserved and there is a small physicochemical difference between leucine and methionine. This variant is present in population databases (rs762431865, ExAC 0.005%). This variant has not been reported in the literature in individuals with VPS13C-related conditions. Algorithms developed to predict the effect of missense changes on protein structure and function output the following: SIFT: "Tolerated"; PolyPhen-2: "Benign"; Align-GVGD: "Class C0". The methionine amino acid residue is found in multiple mammalian species, suggesting that this missense change does not adversely affect protein function. These predictions have not been confirmed by published functional studies and their clinical significance is uncertain. In summary, the available evidence is currently insufficient to determine the role of this variant in disease. Therefore, it has been classified as a Variant of Uncertain Significance.